The following is an entry in ClinVar:

NM_004750.5(CRLF1):c.898G>A (p.Gly300Ser)

Genes: CRLF1 (cytokine receptor like factor 1; minus strand), LOC112543470 (Sharpr-MPRA regulatory region 11645; plus strand). Cytogenetic location: 19p13.11.
Variant type: single nucleotide variant.
Coding change: c.898G>A on transcript NM_004750.5 (MANE Select); coding-DNA position 898, G replaced by A.
Protein change: p.Gly300Ser; replaces glycine 300 with serine.
Molecular consequence: missense variant.
Genome position (GRCh38, 1-based): chr19:18,596,748, C>T on the plus strand (G>A on the coding strand, the complement: CRLF1 is on the minus strand). VCF-style: chr19-18596748-C-T. GRCh37 (hg19) VCF-style: chr19-18707558-C-T.
Other names: short protein forms G300S.
Identifiers: ClinVar variation 2188909 (VCV002188909.4), dbSNP rs1194882215, ClinGen allele CA404850686.

ClinVar aggregate classification (germline): Uncertain significance (1 of 4 stars; one submission).

Allele frequency attached by ClinVar (database versions not stated): gnomAD 0.00001; TOPMed 0.00002.
gnomAD v4.1: 21 of 1,613,912 alleles (0.0013%); highest among the groups gnomAD compares: Non-Finnish European, 0.0016%; no homozygotes.

Submission:

Labcorp Genetics (formerly Invitae), Labcorp
Classification: Uncertain significance. Last evaluated: 2024-01-22. Review status: criteria provided, single submitter. Criteria: Invitae Variant Classification Sherloc (09022015). Collection method: clinical testing. Allele origin: germline.
Comment: This sequence change replaces glycine, which is neutral and non-polar, with serine, which is neutral and polar, at codon 300 of the CRLF1 protein (p.Gly300Ser). The frequency data for this variant in the population databases is considered unreliable, as metrics indicate poor data quality at this position in the gnomAD database. This variant has not been reported in the literature in individuals affected with CRLF1-related conditions. ClinVar contains an entry for this variant (Variation ID: 2188909). Advanced modeling of protein sequence and biophysical properties (such as structural, functional, and spatial information, amino acid conservation, physicochemical variation, residue mobility, and thermodynamic stability) performed at Invitae indicates that this missense variant is not expected to disrupt CRLF1 protein function with a negative predictive value of 80%. In summary, the available evidence is currently insufficient to determine the role of this variant in disease. Therefore, it has been classified as a Variant of Uncertain Significance.